The following is an entry in ClinVar:

NM_000492.4(CFTR):c.1117G>A (p.Asp373Asn)

Gene: CFTR (CF transmembrane conductance regulator; plus strand). Cytogenetic location: 7q31.2.
Variant type: single nucleotide variant.
Coding change: c.1117G>A on transcript NM_000492.4 (MANE Select); coding-DNA position 1117, G replaced by A.
Protein change: p.Asp373Asn; replaces aspartic acid 373 with asparagine.
Molecular consequence: missense variant.
Genome position (GRCh38, 1-based): chr7:117,542,016, G>A. VCF-style: chr7-117542016-G-A. GRCh37 (hg19) VCF-style: chr7-117182070-G-A.
Other names: short protein forms D373N.
Identifiers: ClinVar variation 161998 (VCV000161998.17), dbSNP rs556880586, ClinGen allele CA273032.

ClinVar aggregate classification (germline): Uncertain significance. Review status: criteria provided, multiple submitters, no conflicts (2 of 4 stars). 8 submissions from 8 submitters: Uncertain significance (6). 2 of the submissions do not count toward it. Last evaluated 2026-06-11.

Conditions:
CFTR-related disorder (CFTR-RD). Also called: CFTR-related disorders; CFTR-related condition. Identifiers: MedGen C5924204, MONDO:7770004.
Cystic fibrosis (CF). Also called: MUCOVISCIDOSIS. Identifiers: Orphanet 586, MedGen C0010674, MONDO:0009061, OMIM 219700. Disease mechanism: loss of function.

Allele frequency attached by ClinVar (database versions not stated): ExAC 0.00001; TOPMed 0.00007; 1000 Genomes Project 30x 0.00016; 1000 Genomes Project 0.00020; gnomAD 0.00003.
gnomAD v4.1: 10 of 1,443,738 alleles (0.00069%); highest among the groups gnomAD compares: African/African-American, 0.0056%; no homozygotes.

Submissions (8):

Ambry Genetics
Classification: Uncertain significance for Cystic fibrosis. Last evaluated: 2026-06-11. Review status: criteria provided, single submitter. Criteria: Ambry Variant Classification Scheme 2023. Collection method: clinical testing. Allele origin: germline.
Comment: The p.D373N variant (also known as c.1117G>A) is located in coding exon 9 of the CFTR gene. The aspartic acid at codon 373 is replaced by asparagine, an amino acid with highly similar properties. This change occurs in the first base pair of coding exon 9. This amino acid position is highly conserved in available vertebrate species. In addition, the in silico prediction for this alteration is inconclusive. Based on the available evidence, the clinical significance of this variant remains unclear.

Labcorp Genetics (formerly Invitae), Labcorp
Classification: Uncertain significance for Cystic fibrosis. Last evaluated: 2025-11-23. Review status: criteria provided, single submitter. Criteria: Invitae Variant Classification Sherloc (09022015). Collection method: clinical testing. Allele origin: germline.
Comment: This sequence change replaces aspartic acid, which is acidic and polar, with asparagine, which is neutral and polar, at codon 373 of the CFTR protein (p.Asp373Asn). This variant is present in population databases (rs556880586, gnomAD 0.008%). This missense change has been observed in individual(s) with CFTR-related conditions (PMID: 27022295, 32819855). ClinVar contains an entry for this variant (Variation ID: 161998). An algorithm developed to predict the effect of missense changes on protein structure and function (PolyPhen-2) suggests that this variant is likely to be tolerated. In summary, the available evidence is currently insufficient to determine the role of this variant in disease. Therefore, it has been classified as a Variant of Uncertain Significance.

Women's Health and Genetics/Laboratory Corporation of America, LabCorp
Classification: Uncertain significance. Last evaluated: 2025-08-27. Review status: criteria provided, single submitter. Criteria: LabCorp Variant Classification Summary - May 2015. Collection method: clinical testing. Allele origin: germline.
Comment: Variant summary: CFTR c.1117G>A (p.Asp373Asn) results in a conservative amino acid change in the encoded protein sequence. Algorithms developed to predict the effect of missense changes on protein structure and function are either unavailable or do not agree on the potential impact of this missense change. Several computational tools predict a significant impact on normal splicing: Two predict the variant weakens a canonical 3' acceptor site. One predict the variant abolishes a canonical 3' acceptor site. However, these predictions have yet to be confirmed by functional studies. The variant allele was found at a frequency of 8e-06 in 249474 control chromosomes. c.1117G>A has been reported in the literature in a patient with respiratory and gastric symptomatology and borderline sweat chloride tests with no second allele detected (Sanchez_2016) and in a patient frm a CF patient registry (da Silva Filho_2021). These report(s) do not provide unequivocal conclusions about association of the variant with Cystic Fibrosis. At least one publication reports experimental evidence evaluating an impact on protein function. The most pronounced variant effect resulted in approximately 46% of normal chloride channel conductance relative to wild type (e.g., Bihler_2024). The following publications have been ascertained in the context of this evaluation (PMID: 38388235, 27022295, 32819855). ClinVar contains an entry for this variant (Variation ID: 161998). Based on the evidence outlined above, the variant was classified as VUS-possibly pathogenic.

Quest Diagnostics Nichols Institute San Juan Capistrano
Classification: Uncertain significance. Last evaluated: 2025-07-14. Review status: criteria provided, single submitter. Criteria: Quest Diagnostics criteria. Collection method: clinical testing. Allele origin: unknown.
Comment: The CFTR c.1117G>A (p.Asp373Asn) variant has been reported in the published literature in individuals affected with cystic fibrosis (PMIDs: 32819855 (2020), 27022295 (2016)). Functional studies yielded inconclusive results on the effect of this variant on disease mechanism (PMID: 38388235 (2024)). The frequency of this variant in the general population (Genome Aggregation Database) is uninformative in the assessment of its pathogenicity. Analysis of this variant using software algorithms for the prediction of the effect of nucleotide changes on splicing yielded predictions that this variant may affect proper CFTR mRNA splicing. Based on the available information, we are unable to determine the clinical significance of this variant.

Mendelics
Classification: Uncertain significance for Cystic fibrosis. Last evaluated: 2023-10-11. Review status: criteria provided, single submitter. Criteria: Mendelics Assertion Criteria 2017. Collection method: clinical testing. Allele origin: unknown. Affected: yes.

Genome-Nilou Lab
Classification: Uncertain significance for Cystic fibrosis. Last evaluated: 2021-07-22. Review status: criteria provided, single submitter. Criteria: ACMG Guidelines, 2015. Collection method: clinical testing. Allele origin: germline. Affected: no.

Natera, Inc.
Classification: Uncertain significance for CFTR-related disorders. Last evaluated: 2018-10-04. Review status: no assertion criteria provided. Collection method: clinical testing. Allele origin: germline. Not counted in ClinVar's aggregate classification.

Unidad de Estudios Geneticos y Forenses, Instituto Venezolano de Investigaciones Cientificas
Classification: Pathogenic for Cystic fibrosis. Last evaluated: 2013-10-01. Review status: no assertion criteria provided. Collection method: research. Allele origin: unknown. Affected: yes. Observed: 1 variant allele. Study: CFTR variants in Venezuelan CF patients. Not counted in ClinVar's aggregate classification.
Comment: Identification of cystic fibrosis-causing mutations in the CFTR gene for use in screening of a Venezuelan population

Literature cited by the submitters: PubMed 27022295 (cited by 3 submitters); PubMed 32819855 (cited by 3 submitters); PubMed 38388235 (cited by Women's Health and Genetics/Laboratory Corporation of America, LabCorp and Quest Diagnostics Nichols Institute San Juan Capistrano).